The following is an entry in ClinVar:

ClinVar aggregate classification (germline): Uncertain significance (1 of 4 stars; one submission).

Submission:

Ambry Genetics
Classification: Uncertain significance. Last evaluated: 2024-05-24. Review status: criteria provided, single submitter. Criteria: Ambry Variant Classification Scheme 2023. Collection method: clinical testing. Allele origin: germline.
Comment: The p.N725T variant (also known as c.2174A>C), located in coding exon 1 of the MLH3 gene, results from an A to C substitution at nucleotide position 2174. The asparagine at codon 725 is replaced by threonine, an amino acid with similar properties. This amino acid position is conserved. In addition, this alteration is predicted to be tolerated by in silico analysis. Based on the available evidence, the clinical significance of this variant remains unclear.

NM_001040108.2(MLH3):c.2174A>C (p.Asn725Thr)

Gene: MLH3 (mutL homolog 3; minus strand). Cytogenetic location: 14q24.3.
Variant type: single nucleotide variant.
Coding change: c.2174A>C on transcript NM_001040108.2 (MANE Select); coding-DNA position 2174, A replaced by C.
Protein change: p.Asn725Thr; replaces asparagine 725 with threonine.
Molecular consequence: missense variant.
Genome position (GRCh38, 1-based): chr14:75,047,482, T>G on the plus strand (A>C on the coding strand, the complement: MLH3 is on the minus strand). VCF-style: chr14-75047482-T-G. GRCh37 (hg19) VCF-style: chr14-75514185-T-G.
Other names: c.2174A>C, p.Asn725Thr (NM_014381.3); short protein forms N725T.
Identifiers: ClinVar variation 3295149 (VCV003295149.1).
Genomic context (GRCh38, chr14:75,047,482, plus strand): 5'-AGCTTCTTACGGACGATTGGTTTGGAGAAACCAATTAATTTATCTGTTTTCCTACTATCA[T>G]TGGAAACGTGTCTATACCAGGGGAAAGAGGGGGATGTATCAGATAATATGCAATCTGTTT-3'
Protein context (NP_001035197.1, residues 715-735): PSFPWYRHVS[Asn725Thr]DSRKTDKLIG